The following is an entry in ClinVar:

NM_000277.3(PAH):c.712A>G (p.Thr238Ala)

Gene: PAH (phenylalanine hydroxylase; minus strand). Cytogenetic location: 12q23.2.
Variant type: single nucleotide variant.
Coding change: c.712A>G on transcript NM_000277.3 (MANE Select); coding-DNA position 712, A replaced by G.
Protein change: p.Thr238Ala; replaces threonine 238 with alanine.
Molecular consequence: missense variant.
Genome position (GRCh38, 1-based): chr12:102,852,945, T>C on the plus strand (A>G on the coding strand, the complement: PAH is on the minus strand). VCF-style: chr12-102852945-T-C. GRCh37 (hg19) VCF-style: chr12-103246723-T-C.
Other names: c.712A>G, p.Thr238Ala (NM_001354304.2); short protein forms T238A.
Identifiers: ClinVar variation 619166 (VCV000619166.3), dbSNP rs199475577, ClinGen allele CA16020847.

ClinVar aggregate classification (germline): Likely pathogenic. Review status: reviewed by expert panel (3 of 4 stars). 2 submissions from 2 submitters: Likely pathogenic (1). 1 of the submissions does not count toward it. Last evaluated 2018-12-10.

Conditions:
Phenylketonuria (PKU). Also called: OLIGOPHRENIA PHENYLPYRUVICA; Phenylketonurias; FOLLING DISEASE; Phenylketonuria (PKU). Identifiers: Orphanet 716, MedGen C0031485, MONDO:0009861, OMIM 261600. Disease mechanism: loss of function.

Submissions (2):

ClinGen PAH Variant Curation Expert Panel
Classification: Likely pathogenic for Phenylketonuria. Last evaluated: 2018-12-10. Review status: reviewed by expert panel. Criteria: ClinGen PAH ACMG Specifications v1. Collection method: curation. Allele origin: germline. Inheritance: Autosomal recessive inheritance.
Comment: The c.712A>G (p.Thr238Ala) variant in PAH has been reported in 2 individuals with PKU (BH4 deficiency excluded). (PP4_Moderate; PMID: 23842451, 26503515). This variant is absent in population databases (PM2). This variant was detected with pathogenic variant p.P281L (PM3; PMID: 23842451). Computational evidence support a deleterious effect. In summary, this variant meets criteria to be classified as likely pathogenic for PAH. PAH-specific ACMG/AMP criteria applied: PP4_Moderate, PM2, PM3, PP3.

Fulgent Genetics
Classification: Likely pathogenic for Phenylketonuria. Last evaluated: 2021-10-10. Review status: criteria provided, single submitter. Criteria: ACMG Guidelines, 2015. Collection method: clinical testing. Allele origin: unknown. Not counted in ClinVar's aggregate classification.

Literature cited by the submitters: PubMed 23842451 (cited by ClinGen PAH Variant Curation Expert Panel); PubMed 26503515 (cited by ClinGen PAH Variant Curation Expert Panel).